The following is an entry in ClinVar:

ClinVar aggregate classification (germline): Pathogenic (1 of 4 stars; one submission).

Submission:

GeneDx
Classification: Pathogenic. Last evaluated: 2024-03-04. Review status: criteria provided, single submitter. Criteria: GeneDx Variant Classification Process June 2021. Collection method: clinical testing. Allele origin: germline. Affected: yes.
Comment: Observed in multiple unrelated individuals with dilated cardiomyopathy but additional clinical information was not provided (PMID: 24915601, 23328570, 23062543); Published functional studies demonstrate a damaging effect on splicing (PMID: 24915601); Canonical splice site variant predicted to result in an in-frame loss of the adjacent exon in a gene for which loss of function is a known mechanism of disease; Not observed at significant frequency in large population cohorts (gnomAD); This variant is associated with the following publications: (PMID: 24915601, 28416588, 23328570, 23062543)

NM_170707.4(LMNA):c.1608+1G>T

Gene: LMNA (lamin A/C; plus strand). Cytogenetic location: 1q22.
Variant type: single nucleotide variant.
Coding change: c.1608+1G>T on transcript NM_170707.4 (MANE Select); the canonical splice donor site of the intron after coding-DNA position 1608, G replaced by T.
Molecular consequence: splice donor variant.
Genome position (GRCh38, 1-based): chr1:156,137,233, G>T. VCF-style: chr1-156137233-G-T. GRCh37 (hg19) VCF-style: chr1-156107024-G-T.
Other names: c.1608+1G>T (NM_001406983.1, NM_001282625.2, NM_001406984.1 and 6 more transcripts); c.1050+1G>T (NM_001407002.1, NM_001406993.1, NM_001407003.1 and 4 more transcripts); c.984+1G>T (NM_001406999.1, NM_001407000.1, NM_001406994.1 and 1 more transcripts); c.1365+1G>T (NM_001406986.1, NM_001406987.1, NM_001282624.2); c.1272+1G>T (NM_001406989.1, NM_001257374.3, NM_001406998.1); c.1311+1G>T (NM_001406988.1).
Identifiers: ClinVar variation 3338793 (VCV003338793.1).